The following is an entry in ClinVar:

ClinVar aggregate classification (germline): Benign/Likely benign. Review status: criteria provided, multiple submitters, no conflicts (2 of 4 stars). 4 submissions from 4 submitters: Benign (2); Likely benign (1). 1 of the submissions does not count toward it. Last evaluated 2026-04-01.

Conditions:
PTPRD-related disorder. Also called: PTPRD-related condition.

Allele frequency attached by ClinVar (database versions not stated): TOPMed 0.00226; gnomAD 0.00250 and 0.00262; ESP Exome Variant Server 0.00254; ExAC 0.00321; gnomAD exomes 0.00342; 1000 Genomes Project 30x 0.00078; 1000 Genomes Project 0.00080.
gnomAD v4.1: 4,655 of 1,613,328 alleles (0.29%); highest among the groups gnomAD compares: Non-Finnish European, 0.28%; 17 homozygotes.

Submissions (4):

CeGaT Center for Human Genetics Tuebingen
Classification: Likely benign. Last evaluated: 2026-04-01. Review status: criteria provided, single submitter. Criteria: CeGaT Center For Human Genetics Tuebingen Variant Classification Criteria Version 2. Collection method: clinical testing. Allele origin: germline. Affected: yes. Observed: 3 variant alleles.
Comment: PTPRD: BP4, BS2

Labcorp Genetics (formerly Invitae), Labcorp
Classification: Benign. Last evaluated: 2019-12-31. Review status: criteria provided, single submitter. Criteria: Invitae Variant Classification Sherloc (09022015). Collection method: clinical testing. Allele origin: germline.

Breakthrough Genomics
Classification: Benign. Review status: criteria provided, single submitter. Criteria: ACMG Guidelines, 2015. Collection method: not provided. Allele origin: germline. Inheritance: Unknown mechanism. Affected: yes.

PreventionGenetics, part of Exact Sciences
Classification: Benign for PTPRD-related condition. Last evaluated: 2019-02-21. Review status: no assertion criteria provided. Collection method: clinical testing. Allele origin: germline. Not counted in ClinVar's aggregate classification.
Comment: This variant is classified as benign based on ACMG/AMP sequence variant interpretation guidelines (Richards et al. 2015 PMID: 25741868, with internal and published modifications).

NM_002839.4(PTPRD):c.4140C>T (p.Asn1380=)

Gene: PTPRD (protein tyrosine phosphatase receptor type D; minus strand). Cytogenetic location: 9p24.1.
Variant type: single nucleotide variant.
Coding change: c.4140C>T on transcript NM_002839.4 (MANE Select); coding-DNA position 4140, C replaced by T.
Protein change: p.Asn1380=; no amino-acid change (asparagine 1380 retained).
Molecular consequence: synonymous variant.
Genome position (GRCh38, 1-based): chr9:8,404,607, G>A on the plus strand (C>T on the coding strand, the complement: PTPRD is on the minus strand). VCF-style: chr9-8404607-G-A. GRCh37 (hg19) VCF-style: chr9-8404607-G-A.
Other names: c.2910C>T, p.Asn970= (NM_001040712.2); c.2919C>T, p.Asn973= (NM_001171025.2, NM_130391.4); c.2931C>T, p.Asn977= (NM_001377946.1); c.2901C>T, p.Asn967= (NM_001377947.1); c.4200C>T, p.Asn1400= (NM_001377958.1); c.4155C>T, p.Asn1385= (NM_001378058.1); c.2922C>T, p.Asn974= (NM_130392.3); c.2892C>T, p.Asn964= (NM_130393.3).
Identifiers: ClinVar variation 783027 (VCV000783027.30), dbSNP rs138755135, ClinGen allele CA4983460.
Genomic context (GRCh38, chr9:8,404,607, plus strand): 5'-TGATAGGAGAACCCGGGAATGATCATATGCGATTACATTCGCGTATCTATTCTTTGGTTT[G>A]TTTACTTCCAAGTTTGAATGTTCCCAAGTGAACTGCTGGCCAGGGTCAATTGACTTTAAA-3'
Protein context (NP_002830.1, residues 1370-1390): FTWEHSNLEV[Asn1380=]KPKNRYANVI